The following is an entry in ClinVar:

ClinVar aggregate classification (germline): Uncertain significance (1 of 4 stars; one submission).

Submission:

CeGaT Center for Human Genetics Tuebingen
Classification: Uncertain significance. Last evaluated: 2024-04-01. Review status: criteria provided, single submitter. Criteria: CeGaT Center For Human Genetics Tuebingen Variant Classification Criteria Version 2. Collection method: clinical testing. Allele origin: germline. Affected: yes. Observed: 1 variant allele.
Comment: HK1: PM2, PP3

NM_000188.3(HK1):c.1237G>T (p.Asp413Tyr)

Gene: HK1 (hexokinase 1; plus strand). Cytogenetic location: 10q22.1.
Variant type: single nucleotide variant.
Coding change: c.1237G>T on transcript NM_000188.3 (MANE Select); coding-DNA position 1237, G replaced by T.
Protein change: p.Asp413Tyr; replaces aspartic acid 413 with tyrosine.
Molecular consequence: missense variant.
Genome position (GRCh38, 1-based): chr10:69,380,067, G>T. VCF-style: chr10-69380067-G-T. GRCh37 (hg19) VCF-style: chr10-71139823-G-T.
Other names: c.1249G>T, p.Asp417Tyr (NM_001322364.2, NM_001358263.1, NM_033497.3 and 1 more transcripts); c.1342G>T, p.Asp448Tyr (NM_001322365.2); c.1153G>T, p.Asp385Tyr (NM_001322366.1); c.1141G>T, p.Asp381Tyr (NM_001322367.1); c.1234G>T, p.Asp412Tyr (NM_033496.3); c.1201G>T, p.Asp401Tyr (NM_033500.2); short protein forms D381Y, D385Y, D401Y, D412Y, D413Y, D417Y, D448Y.
Identifiers: ClinVar variation 3234705 (VCV003234705.20), dbSNP rs1320839260, ClinGen allele CA376917693.